The following is an entry in ClinVar:

ClinVar aggregate classification (germline): Pathogenic (1 of 4 stars; one submission).

Conditions:
Duchenne muscular dystrophy (DMD). Also called: Duchenne Muscular Dystrophy (DMD); MUSCULAR DYSTROPHY, PSEUDOHYPERTROPHIC PROGRESSIVE, DUCHENNE TYPE. Identifiers: Orphanet 98896, MedGen C0013264, MONDO:0010679, OMIM 310200.

Submission:

Labcorp Genetics (formerly Invitae), Labcorp
Classification: Pathogenic for Duchenne muscular dystrophy. Last evaluated: 2022-10-05. Review status: criteria provided, single submitter. Criteria: Invitae Variant Classification Sherloc (09022015). Collection method: clinical testing. Allele origin: germline.
Comment: This variant is a gross deletion of the genomic region encompassing exon(s) 56-79 of the DMD gene, which includes the termination codon. This deletion extends beyond the assayed region for this gene and therefore may encompass additional genes. While this deletion is not anticipated to lead to nonsense mediated decay, it is expected to alter mRNA translation or result in a truncated protein product. A similar copy number variant has been observed in individuals with Duchenne muscular dystrophy (PMID: 25482253, 27206868, 33644936). This variant disrupts a region of the DMD protein in which other variant(s) (Deletion (Exon 60)) have been determined to be pathogenic (PMID: 15723292, 16834926). This suggests that this is a clinically significant region of the protein, and that variants that disrupt it are likely to be disease-causing. For these reasons, this variant has been classified as Pathogenic.

Literature cited by the submitters: PubMed 25482253; PubMed 27206868; PubMed 33644936; PubMed 15723292; PubMed 16834926.

NC_000023.10:g.(?_31140036)_(31525590_?)del

Gene: DMD (dystrophin; minus strand). Cytogenetic location: Xp21.2-21.1.
Variant type: Deletion.
Identifiers: ClinVar variation 2424843 (VCV002424843.4).